The following is an entry in ClinVar:

ClinVar aggregate classification (germline): Conflicting classifications of pathogenicity. Review status: criteria provided, conflicting classifications (1 of 4 stars). 2 submissions from 2 submitters: Pathogenic (1); Uncertain significance (1). Last evaluated 2026-03-25.

Conditions:
Central core myopathy (CMYO1A). Also called: CONGENITAL MYOPATHY 1A, AUTOSOMAL DOMINANT, WITH SUSCEPTIBILITY TO MALIGNANT HYPERTHERMIA; Central core disease; Myopathy, central fibrillar. Identifiers: Orphanet 597, MedGen C5830701, MONDO:0007294, OMIM 117000.

Submissions (2):

Women's Health and Genetics/Laboratory Corporation of America, LabCorp
Classification: Uncertain significance. Last evaluated: 2026-03-25. Review status: criteria provided, single submitter. Criteria: LabCorp Variant Classification Summary - May 2015. Collection method: clinical testing. Allele origin: germline.
Comment: Variant summary: RYR1 c.3485C>T (p.Thr1162Ile) results in a non-conservative amino acid change in the encoded protein sequence. Algorithms developed to predict the effect of missense changes on protein structure and function all suggest that this variant is likely to be disruptive. The variant allele was found at a frequency of 4e-06 in 251488 control chromosomes (gnomAD). The available data on variant occurrences in the general population are insufficient to allow any conclusion about variant significance. c.3485C>T has been observed in one individual affected with RYR1-related congenital myopathy (Mauri_2021). The report does not provide unequivocal conclusions about association of the variant with Congenital Multicore Myopathy With External Ophthalmoplegia. To our knowledge, no experimental evidence demonstrating an impact on protein function has been reported. The following publication have been ascertained in the context of this evaluation (PMID: 34262519). ClinVar contains an entry for this variant (Variation ID: 1120217). Based on the evidence outlined above, the variant was classified as VUS-possibly pathogenic.

Department of Pathophysiology and Transplantation, IRCCS Foundation Ca' Granda Ospedale Maggiore Policlinico
Classification: Pathogenic for Central core myopathy. Last evaluated: 2021-03-30. Review status: criteria provided, single submitter. Criteria: ACMG Guidelines, 2015. Collection method: clinical testing. Allele origin: germline. Affected: yes.
Comment: Muscle biopsy revealed Z line streaming, central cores and rods elements.

The variant c.3485C>T caused a missense alteration p.Thr1162Ile in a highly conserved residue. The polar residue is replaced by an apolar one. This substitution was predected to be probably damaging by in silico analysis.

Literature cited by the submitters: PubMed 34262519 (cited by Women's Health and Genetics/Laboratory Corporation of America, LabCorp).

NM_000540.3(RYR1):c.3485C>T (p.Thr1162Ile)

Gene: RYR1 (ryanodine receptor 1; plus strand). Cytogenetic location: 19q13.2.
Variant type: single nucleotide variant.
Coding change: c.3485C>T on transcript NM_000540.3 (MANE Select); coding-DNA position 3485, C replaced by T.
Protein change: p.Thr1162Ile; replaces threonine 1162 with isoleucine.
Molecular consequence: missense variant.
Genome position (GRCh38, 1-based): chr19:38,469,069, C>T. VCF-style: chr19-38469069-C-T. GRCh37 (hg19) VCF-style: chr19-38959709-C-T.
Other names: c.3485C>T, p.Thr1162Ile (NM_001042723.2); short protein forms T1162I.
Identifiers: ClinVar variation 1120217 (VCV001120217.2), dbSNP rs1280346095, ClinGen allele CA405638644.